The following continues an entry in ClinVar:

NM_007294.4(BRCA1):c.5066T>C (p.Met1689Thr)

Gene: BRCA1. ClinVar aggregate classification (germline): Conflicting classifications of pathogenicity. Uncertain significance (7); Likely benign (2).

Submissions 8 to 14 of 14:

Women's Health and Genetics/Laboratory Corporation of America, LabCorp
Classification: Uncertain significance. Last evaluated: 2019-01-11. Review status: criteria provided, single submitter. Criteria: LabCorp Variant Classification Summary - May 2015. Collection method: clinical testing. Allele origin: germline.
Comment: Variant summary: The variant, BRCA1 c.5066T>C (p.Met1689Thr) results in a non-conservative amino acid change located in the BRCT domain of the encoded protein sequence. Five of five in-silico tools predict a damaging effect of the variant on protein function. The variant was absent in 246160 control chromosomes (gnomAD). The available data on variant occurrences in the general population are insufficient to allow any conclusion about variant significance. c.5066T>C has been reported in the literature in individuals affected with Hereditary Breast and Ovarian Cancer. However, these reports do not provide unequivocal conclusions about association of the variant with Hereditary Breast and Ovarian Cancer (Judkins_2005, Meenakumari_2012). At least two publication reports experimental evidence evaluating an impact on protein function. One study showed variant effect results in >50%-90% of normal activity in protease sensitivity, structural stability, binding activity and transcription activity (Lee_2010). Another recent study showed variant effect results in >90% of normal activity in homology-directed DNA repair function (Findlay_2018). Two clinical diagnostic laboratories have submitted clinical-significance assessments for this variant to ClinVar after 2014 without evidence for independent evaluation. All laboratories classified the variant as uncertain significance. Based on the evidence outlined above, the variant was classified as VUS-possibly benign.

Quest Diagnostics Nichols Institute San Juan Capistrano
Classification: Uncertain significance. Last evaluated: 2018-06-06. Review status: criteria provided, single submitter. Criteria: Quest Diagnostics criteria. Collection method: clinical testing. Allele origin: germline.

Hereditary Cancer Genetics group, Vall d'Hebron Institute of Oncology
Classification: Uncertain significance for Hereditary breast and ovarian cancer syndrome. Last evaluated: 2019-03-01. Review status: no assertion criteria provided. Collection method: research. Allele origin: germline. Affected: yes. Not counted in ClinVar's aggregate classification.

Counsyl
Classification: Uncertain significance for Breast-ovarian cancer, familial, susceptibility to, 1. Last evaluated: 2017-04-19. Review status: no assertion criteria provided. Collection method: clinical testing. Allele origin: unknown. Not counted in ClinVar's aggregate classification.

Breast Cancer Information Core (BIC) (BRCA1)
Classification: Uncertain significance for Breast-ovarian cancer, familial 1. Last evaluated: 2004-11-25. Review status: no assertion criteria provided. Collection method: clinical testing. Allele origin: germline. Affected: yes. Observed: 1 variant allele. Not counted in ClinVar's aggregate classification.

Brotman Baty Institute, University of Washington
No classification provided (evidence only). Condition: Breast-ovarian cancer, familial 1. Review status: no classification provided. Collection method: in vitro. Allele origin: not applicable. Functional consequence: functionally_normal. Not counted in ClinVar's aggregate classification.
ClinVar note: "not provided" was previously submitted as the classification for the variant. However, the classification appeared to be based only on an observation of functional data so it was converted to no classification on 2025-07-30.

Department of Pathology and Laboratory Medicine, Sinai Health System
Classification: Uncertain significance. Review status: no assertion criteria provided. Collection method: clinical testing. Allele origin: unknown. Affected: yes. Observed: 1 variant allele. Study: The Canadian Open Genetics Repository (COGR). Not counted in ClinVar's aggregate classification.
Comment: The BRCA1 p.Met1689Thr variant was identified in dbSNP (ID: rs80357061) â€šÃ„ÃºWith pathogenic,unknown alleleâ€šÃ„Ã¹, BIC (1X with unknown clinical importance), and LOVD. In one functional study, the variant protein was found to be structurally stable, but had intermediate phophopeptide interactions and transcriptional activity, resulting in a classification of the variant having an â€šÃ„Ãºuncertainâ€šÃ„Ã¹ functional effect (Lee 2010). Computational analyses (PolyPhen-2, SIFT, AlignGVGD) suggest that the p.Met1689Thr variant may impact the protein; however, this information is not predictive enough to assume pathogenicity and the p.Met1689 residue is not conserved across mammals and lower organisms. Another variant at this amino acid position, p.Met1689Arg was identified in the literature, and in the BIC, HGMD, and LOVD databases. The p.Met1689Arg variant was shown to segregate with disease in a large family with several generations affected, and was determined to have a loss of function in both structural and functional assays, suggesting that this residue plays an important role in normal BRCA1 protein function (Lee 2010, Mirkovic 2004). However, it should be noted that these results are for a different amino acid substitution than the variant that was found by our laboratory. In summary, based on the above information, the clinical significance of this variant cannot be determined with certainty at this time. This variant is classified as a variant of unknown significance.

Literature cited by the submitters: PubMed 20516115 (cited by 4 submitters); PubMed 30209399 (cited by 3 submitters); PubMed 30287823 (cited by Ambry Genetics and All of Us Research Program, National Institutes of Health); PubMed 31343793 (cited by Ambry Genetics and All of Us Research Program, National Institutes of Health); PubMed 32803532 (cited by Ambry Genetics); PubMed 39142283 (cited by Lupski Lab, Baylor-Hopkins CMG, Baylor College of Medicine); PubMed 34793697 (cited by Lupski Lab, Baylor-Hopkins CMG, Baylor College of Medicine); DOI 10.1101/2024.04.11.24305690 (cited by Lupski Lab, Baylor-Hopkins CMG, Baylor College of Medicine); PubMed 16267036 (cited by Women's Health and Genetics/Laboratory Corporation of America, LabCorp and Counsyl); PubMed 19706752 (cited by Women's Health and Genetics/Laboratory Corporation of America, LabCorp); PubMed 30472649 (cited by Hereditary Cancer Genetics group, Vall d'Hebron Institute of Oncology).